The following is an entry in ClinVar:

ClinVar aggregate classification (germline): Uncertain significance (1 of 4 stars; one submission).

Allele frequency attached by ClinVar (database versions not stated): ExAC 0.00001.

Submission:

Labcorp Genetics (formerly Invitae), Labcorp
Classification: Uncertain significance. Last evaluated: 2023-01-15. Review status: criteria provided, single submitter. Criteria: Invitae Variant Classification Sherloc (09022015). Collection method: clinical testing. Allele origin: germline.
Comment: This sequence change replaces aspartic acid, which is acidic and polar, with asparagine, which is neutral and polar, at codon 1951 of the MYO7A protein (p.Asp1951Asn). In summary, the available evidence is currently insufficient to determine the role of this variant in disease. Therefore, it has been classified as a Variant of Uncertain Significance. Advanced modeling of protein sequence and biophysical properties (such as structural, functional, and spatial information, amino acid conservation, physicochemical variation, residue mobility, and thermodynamic stability) has been performed at Invitae for this missense variant, however the output from this modeling did not meet the statistical confidence thresholds required to predict the impact of this variant on MYO7A protein function. This variant has not been reported in the literature in individuals affected with MYO7A-related conditions. The frequency data for this variant in the population databases is considered unreliable, as metrics indicate poor data quality at this position in the gnomAD database.

NM_000260.4(MYO7A):c.5851G>A (p.Asp1951Asn)

Gene: MYO7A (myosin VIIA; plus strand). Cytogenetic location: 11q13.5.
Variant type: single nucleotide variant.
Coding change: c.5851G>A on transcript NM_000260.4 (MANE Select); coding-DNA position 5851, G replaced by A.
Protein change: p.Asp1951Asn; replaces aspartic acid 1951 with asparagine.
Molecular consequence: missense variant.
Genome position (GRCh38, 1-based): chr11:77,207,397, G>A. VCF-style: chr11-77207397-G-A. GRCh37 (hg19) VCF-style: chr11-76918442-G-A.
Other names: c.5737G>A, p.Asp1913Asn (NM_001127180.2); c.5704G>A, p.Asp1902Asn (NM_001369365.1); short protein forms D1951N, D1902N, D1913N.
Identifiers: ClinVar variation 2919232 (VCV002919232.3), dbSNP rs767931313, ClinGen allele CA6198841.